The following is an entry in ClinVar:

ClinVar aggregate classification (germline): Uncertain significance (1 of 4 stars; one submission).

Submission:

CeGaT Center for Human Genetics Tuebingen
Classification: Uncertain significance. Last evaluated: 2023-06-01. Review status: criteria provided, single submitter. Criteria: CeGaT Center For Human Genetics Tuebingen Variant Classification Criteria Version 2. Collection method: clinical testing. Allele origin: germline. Affected: yes. Observed: 1 variant allele.
Comment: ATF6: PM2

NM_007348.4(ATF6):c.1141G>T (p.Val381Leu)

Gene: ATF6 (activating transcription factor 6; plus strand). Cytogenetic location: 1q23.3.
Variant type: single nucleotide variant.
Coding change: c.1141G>T on transcript NM_007348.4 (MANE Select); coding-DNA position 1141, G replaced by T.
Protein change: p.Val381Leu; replaces valine 381 with leucine.
Molecular consequence: missense variant.
Genome position (GRCh38, 1-based): chr1:161,821,115, G>T. VCF-style: chr1-161821115-G-T. GRCh37 (hg19) VCF-style: chr1-161790905-G-T.
Other names: c.1141G>T, p.Val381Leu (NM_001410890.1); short protein forms V381L.
Identifiers: ClinVar variation 2639517 (VCV002639517.24), dbSNP rs1685750925, ClinGen allele CA343374316.